The following is an entry in ClinVar:

ClinVar aggregate classification (germline): Uncertain significance (1 of 4 stars; one submission).

Allele frequency attached by ClinVar (database versions not stated): gnomAD exomes below 0.00001.
gnomAD v4.1: 1 of 1,614,156 alleles (0.000062%); highest among the groups gnomAD compares: Non-Finnish European, 0.000085%; no homozygotes.

Submission:

GeneDx
Classification: Uncertain significance. Last evaluated: 2022-10-07. Review status: criteria provided, single submitter. Criteria: GeneDx Variant Classification Process June 2021. Collection method: clinical testing. Allele origin: germline. Affected: yes.
Comment: Not observed in large population cohorts (gnomAD); In silico analysis supports that this missense variant does not alter protein structure/function; Has not been previously published as pathogenic or benign to our knowledge.

NM_005898.5(CAPRIN1):c.1457C>T (p.Ala486Val)

Gene: CAPRIN1 (cell cycle associated protein 1; plus strand). Cytogenetic location: 11p13.
Variant type: single nucleotide variant.
Coding change: c.1457C>T on transcript NM_005898.5 (MANE Select); coding-DNA position 1457, C replaced by T.
Protein change: p.Ala486Val; replaces alanine 486 with valine.
Molecular consequence: missense variant.
Genome position (GRCh38, 1-based): chr11:34,090,581, C>T. VCF-style: chr11-34090581-C-T. GRCh37 (hg19) VCF-style: chr11-34112128-C-T.
Other names: c.1457C>T, p.Ala486Val (NM_203364.3); short protein forms A486V.
Identifiers: ClinVar variation 1710836 (VCV001710836.2), dbSNP rs2496097265, ClinGen allele CA380030121.
Genomic context (GRCh38, chr11:34,090,581, plus strand): 5'-GTGTTTAGGCAACAATCTCTTTAAATACAGACCAGACTACAGCATCATCATCCCTTCCTG[C>T]TGCGTCTCAGCCTCAAGTATTTCAGGCTGGGACAAGCAAACCTTTACATAGCAGTGGAAT-3'
Protein context (NP_005889.3, residues 476-496): DQTTASSSLP[Ala486Val]ASQPQVFQAG